The following is an entry in ClinVar:

ClinVar aggregate classification (germline): Uncertain significance (1 of 4 stars; one submission).

Conditions:
Joubert syndrome 21 (JBTS21). Identifiers: MedGen C3810212, MONDO:0014288, OMIM 615636.

Allele frequency attached by ClinVar (database versions not stated): gnomAD exomes below 0.00001 and 0.00001; TOPMed below 0.00001; gnomAD 0.00001.
gnomAD v4.1: 3 of 1,612,882 alleles (0.00019%); highest among the groups gnomAD compares: Admixed American, 0.0017%; no homozygotes.

Submission:

Labcorp Genetics (formerly Invitae), Labcorp
Classification: Uncertain significance for Joubert syndrome 21. Last evaluated: 2021-08-23. Review status: criteria provided, single submitter. Criteria: Invitae Variant Classification Sherloc (09022015). Collection method: clinical testing. Allele origin: germline.
Comment: This sequence change replaces methionine with threonine at codon 880 of the CSPP1 protein (p.Met880Thr). The methionine residue is moderately conserved and there is a moderate physicochemical difference between methionine and threonine. This variant is not present in population databases (ExAC no frequency). This variant has not been reported in the literature in individuals affected with CSPP1-related conditions. Algorithms developed to predict the effect of missense changes on protein structure and function are either unavailable or do not agree on the potential impact of this missense change (SIFT: "Deleterious"; PolyPhen-2: "Benign"; Align-GVGD: "Class C0"). In summary, the available evidence is currently insufficient to determine the role of this variant in disease. Therefore, it has been classified as a Variant of Uncertain Significance.

NM_001382391.1(CSPP1):c.2654T>C (p.Met885Thr)

Gene: CSPP1 (centrosome and spindle pole associated protein 1; plus strand). Cytogenetic location: 8q13.2.
Variant type: single nucleotide variant.
Coding change: c.2654T>C on transcript NM_001382391.1 (MANE Select); coding-DNA position 2654, T replaced by C.
Protein change: p.Met885Thr; replaces methionine 885 with threonine.
Molecular consequence: missense variant.
Genome position (GRCh38, 1-based): chr8:67,163,742, T>C. VCF-style: chr8-67163742-T-C. GRCh37 (hg19) VCF-style: chr8-68075977-T-C.
Other names: c.1604T>C, p.Met535Thr (NM_001291339.2); c.2573T>C, p.Met858Thr (NM_001363131.2); c.2459T>C, p.Met820Thr (NM_001363132.2); c.2378T>C, p.Met793Thr (NM_001363133.2); c.2720T>C, p.Met907Thr (NM_001364869.1); c.2540T>C, p.Met847Thr (NM_001364870.1); c.2639T>C, p.Met880Thr (NM_024790.7); short protein forms M858T, M820T, M885T, M880T, M907T, M535T, M793T, M847T.
Identifiers: ClinVar variation 1475286 (VCV001475286.6), dbSNP rs894040195, ClinGen allele CA178192921.
Genomic context (GRCh38, chr8:67,163,742, plus strand): 5'-CTGTGTAGGGAAGACATACTGAACATGTCTTTGTCATTATTGTTGAACAGGAAAGTTCCA[T>C]GTCCAGGGCACAGTCACCCCCGGTACCTGCCAGGAAAAATCAGCTCCGTGCAGAAGGTAG-3'
Protein context (NP_001369320.1, residues 875-895): IIRSFIHESS[Met885Thr]SRAQSPPVPA